The following is an entry in ClinVar:

ClinVar aggregate classification (germline): Uncertain significance (1 of 4 stars; one submission).

Allele frequency attached by ClinVar (database versions not stated): gnomAD 0.00001; gnomAD exomes 0.00001; TOPMed 0.00001; ExAC 0.00002.
gnomAD v4.1: 13 of 1,613,792 alleles (0.00081%); highest among the groups gnomAD compares: South Asian, 0.0066%; no homozygotes.

Submission:

Ambry Genetics
Classification: Uncertain significance. Last evaluated: 2024-02-02. Review status: criteria provided, single submitter. Criteria: Ambry Variant Classification Scheme 2023. Collection method: clinical testing. Allele origin: germline.
Comment: The p.Q943R variant (also known as c.2828A>G), located in coding exon 14 of the NPAT gene, results from an A to G substitution at nucleotide position 2828. The glutamine at codon 943 is replaced by arginine, an amino acid with highly similar properties. This amino acid position is conserved. In addition, this alteration is predicted to be tolerated by in silico analysis. Based on the available evidence, the clinical significance of this alteration remains unclear.

NM_002519.3(NPAT):c.2828A>G (p.Gln943Arg)

Gene: NPAT (nuclear protein, coactivator of histone transcription; minus strand). Cytogenetic location: 11q22.3.
Variant type: single nucleotide variant.
Coding change: c.2828A>G on transcript NM_002519.3 (MANE Select); coding-DNA position 2828, A replaced by G.
Protein change: p.Gln943Arg; replaces glutamine 943 with arginine.
Molecular consequence: missense variant.
Genome position (GRCh38, 1-based): chr11:108,170,001, T>C on the plus strand (A>G on the coding strand, the complement: NPAT is on the minus strand). VCF-style: chr11-108170001-T-C. GRCh37 (hg19) VCF-style: chr11-108040728-T-C.
Other names: c.2828A>G, p.Gln943Arg (NM_001321307.1); short protein forms Q943R.
Identifiers: ClinVar variation 3222559 (VCV003222559.1), dbSNP rs762192920, ClinGen allele CA6263726.